The following is an entry in ClinVar:

NM_000245.4(MET):c.735C>A (p.Tyr245Ter)

Gene: MET (MET proto-oncogene, receptor tyrosine kinase; plus strand). Cytogenetic location: 7q31.2.
Variant type: single nucleotide variant.
Coding change: c.735C>A on transcript NM_000245.4 (MANE Select); coding-DNA position 735, C replaced by A.
Protein change: p.Tyr245Ter; replaces tyrosine 245 with a stop codon.
Molecular consequence: nonsense. On other transcripts: intron variant (1).
Genome position (GRCh38, 1-based): chr7:116,699,819, C>A. VCF-style: chr7-116699819-C-A. GRCh37 (hg19) VCF-style: chr7-116339873-C-A.
Other names: c.735C>A, p.Tyr245Ter (NM_001127500.3, NM_001324401.3); c.-91+27242C>A (NM_001324402.2); short protein forms Y245*.
Identifiers: ClinVar variation 4648279 (VCV004648279.1).

ClinVar aggregate classification (germline): Uncertain significance (1 of 4 stars; one submission).

Conditions:
Hereditary cancer-predisposing syndrome. Also called: Neoplastic Syndromes, Hereditary; Tumor predisposition; Hereditary Cancer Syndrome; Hereditary neoplastic syndrome. Identifiers: Orphanet 140162, MedGen C0027672, MeSH D009386, MONDO:0015356.

Submission:

Ambry Genetics
Classification: Uncertain significance for Hereditary cancer-predisposing syndrome. Last evaluated: 2025-12-05. Review status: criteria provided, single submitter. Criteria: Ambry Variant Classification Scheme 2023. Collection method: clinical testing. Allele origin: germline.
Comment: The p.Y245* variant (also known as c.735C>A), located in coding exon 1 of the MET gene, results from a C to A substitution at nucleotide position 735. This changes the amino acid from a tyrosine to a stop codon within coding exon 1. This alteration is expected to result in loss of function by premature protein truncation or nonsense-mediated mRNA decay. However, loss of function has not been established as a mechanism of disease. Based on the available evidence, the clinical significance of this alteration remains unclear.